The following is an entry in ClinVar:

ClinVar aggregate classification (germline): Uncertain significance. Review status: criteria provided, multiple submitters, no conflicts (2 of 4 stars). 2 submissions from 2 submitters: Uncertain significance (2). Last evaluated 2024-05-13.

Conditions:
Cardiomyopathy (CMYO). Also called: Cardiomyopathies. Identifiers: Orphanet 167848, MedGen C0878544, MONDO:0004994, HP:0001638. Inheritance: Various modes of inheritance.
Arrhythmogenic cardiomyopathy with wooly hair and keratoderma. Also called: PALMOPLANTAR KERATODERMA WITH LEFT VENTRICULAR CARDIOMYOPATHY AND WOOLLY HAIR; Carvajal syndrome; Dilated cardiomyopathy with woolly hair and keratoderma; Arrhythmogenic cardiomyopathy with woolly hair and keratoderma. Identifiers: Orphanet 65282, MedGen C1854063, MONDO:0011581, OMIM 605676.
Arrhythmogenic right ventricular dysplasia 8 (ARVD8). Also called: Arrhythmogenic Right Ventricular Dysplasia/Cardiomyopathy 8; ARRHYTHMOGENIC RIGHT VENTRICULAR DYSPLASIA, FAMILIAL, 8; ARRHYTHMOGENIC RIGHT VENTRICULAR CARDIOMYOPATHY 8. Identifiers: MedGen C1843896, MONDO:0011831, OMIM 607450.

Allele frequency attached by ClinVar (database versions not stated): gnomAD exomes below 0.00001.
gnomAD v4.1: 2 of 1,613,826 alleles (0.00012%); highest among the groups gnomAD compares: Non-Finnish European, 0.00017%; no homozygotes.

Submissions (2):

Color Diagnostics, LLC DBA Color Health
Classification: Uncertain significance for Cardiomyopathy. Last evaluated: 2024-05-13. Review status: criteria provided, single submitter. Criteria: ACMG Guidelines, 2015. Collection method: clinical testing. Allele origin: germline.
Comment: This missense variant replaces leucine with arginine at codon 1153 of the DSP protein. Computational prediction is inconclusive regarding the impact of this variant on protein structure and function (internally defined REVEL score threshold 0.5 < inconclusive < 0.7, PMID: 27666373). To our knowledge, functional studies have not been reported for this variant. This variant has not been reported in individuals affected with DSP-related disorders in the literature. This variant has not been identified in the general population by the Genome Aggregation Database (gnomAD). The available evidence is insufficient to determine the role of this variant in disease conclusively. Therefore, this variant is classified as a Variant of Uncertain Significance.

Labcorp Genetics (formerly Invitae), Labcorp
Classification: Uncertain significance for Arrhythmogenic cardiomyopathy with wooly hair and keratoderma; Arrhythmogenic right ventricular dysplasia 8. Last evaluated: 2019-06-22. Review status: criteria provided, single submitter. Criteria: Invitae Variant Classification Sherloc (09022015). Collection method: clinical testing. Allele origin: germline.
Comment: In summary, the available evidence is currently insufficient to determine the role of this variant in disease. Therefore, it has been classified as a Variant of Uncertain Significance. Algorithms developed to predict the effect of missense changes on protein structure and function do not agree on the potential impact of this missense change (SIFT: "Tolerated"; PolyPhen-2: "Probably Damaging"; Align-GVGD: "Class C0"). This variant has not been reported in the literature in individuals with DSP-related disease. This variant is not present in population databases (ExAC no frequency). This sequence change replaces leucine with arginine at codon 1153 of the DSP protein (p.Leu1153Arg). The leucine residue is highly conserved and there is a moderate physicochemical difference between leucine and arginine.

NM_004415.4(DSP):c.3458T>G (p.Leu1153Arg)

Gene: DSP (desmoplakin; plus strand). Cytogenetic location: 6p24.3.
Variant type: single nucleotide variant.
Coding change: c.3458T>G on transcript NM_004415.4 (MANE Select); coding-DNA position 3458, T replaced by G.
Protein change: p.Leu1153Arg; replaces leucine 1153 with arginine.
Molecular consequence: missense variant.
Genome position (GRCh38, 1-based): chr6:7,579,648, T>G. VCF-style: chr6-7579648-T-G. GRCh37 (hg19) VCF-style: chr6-7579881-T-G.
Other names: c.3458T>G (LRG_423t1); c.3458T>G, p.Leu1153Arg (NM_001008844.3, NM_001319034.2); short protein forms L1153R.
Identifiers: ClinVar variation 534304 (VCV000534304.12), dbSNP rs1554108085, ClinGen allele CA362684105.